The following is an entry in ClinVar:

NM_000421.5(KRT10):c.371G>T (p.Gly124Val)

Genes: KRT10 (keratin 10; minus strand), KRT10-AS1 (KRT10 antisense RNA 1; plus strand). Cytogenetic location: 17q21.2.
Variant type: single nucleotide variant.
Coding change: c.371G>T on transcript NM_000421.5 (MANE Select); coding-DNA position 371, G replaced by T.
Protein change: p.Gly124Val; replaces glycine 124 with valine.
Molecular consequence: missense variant.
Genome position (GRCh38, 1-based): chr17:40,822,215, C>A on the plus strand (G>T on the coding strand, the complement: KRT10 is on the minus strand). VCF-style: chr17-40822215-C-A. GRCh37 (hg19) VCF-style: chr17-38978467-C-A.
Other names: c.371G>T, p.Gly124Val (NM_001379366.1); short protein forms G124V.
Identifiers: ClinVar variation 2713301 (VCV002713301.3), dbSNP rs200060640, ClinGen allele CA8548304.

ClinVar aggregate classification (germline): Uncertain significance (1 of 4 stars; one submission).

Allele frequency attached by ClinVar (database versions not stated): gnomAD 0.00001; TOPMed 0.00005; ExAC 0.00007; gnomAD exomes 0.00007; ESP Exome Variant Server 0.00008; 1000 Genomes Project 30x 0.00016; 1000 Genomes Project 0.00020.
gnomAD v4.1: 114 of 1,611,242 alleles (0.0071%); highest among the groups gnomAD compares: Middle Eastern, 0.12%; no homozygotes.

Submission:

Labcorp Genetics (formerly Invitae), Labcorp
Classification: Uncertain significance. Last evaluated: 2024-12-02. Review status: criteria provided, single submitter. Criteria: Invitae Variant Classification Sherloc (09022015). Collection method: clinical testing. Allele origin: germline.
Comment: This sequence change replaces glycine, which is neutral and non-polar, with valine, which is neutral and non-polar, at codon 124 of the KRT10 protein (p.Gly124Val). This variant is present in population databases (rs200060640, gnomAD 0.08%). This variant has not been reported in the literature in individuals affected with KRT10-related conditions. ClinVar contains an entry for this variant (Variation ID: 2713301). Invitae Evidence Modeling of protein sequence and biophysical properties (such as structural, functional, and spatial information, amino acid conservation, physicochemical variation, residue mobility, and thermodynamic stability) indicates that this missense variant is not expected to disrupt KRT10 protein function with a negative predictive value of 80%. In summary, the available evidence is currently insufficient to determine the role of this variant in disease. Therefore, it has been classified as a Variant of Uncertain Significance.